The following is an entry in ClinVar:

NM_000088.4(COL1A1):c.3434G>T (p.Gly1145Val)

Gene: COL1A1 (collagen type I alpha 1 chain; minus strand). Cytogenetic location: 17q21.33.
Variant type: single nucleotide variant.
Coding change: c.3434G>T on transcript NM_000088.4 (MANE Select); coding-DNA position 3434, G replaced by T.
Protein change: p.Gly1145Val; replaces glycine 1145 with valine.
Molecular consequence: missense variant.
Genome position (GRCh38, 1-based): chr17:50,187,112, C>A on the plus strand (G>T on the coding strand, the complement: COL1A1 is on the minus strand). VCF-style: chr17-50187112-C-A. GRCh37 (hg19) VCF-style: chr17-48264473-C-A.
Other names: short protein forms G1145V.
Identifiers: ClinVar variation 1710022 (VCV001710022.1), dbSNP rs72656319, ClinGen allele CA400198983.

ClinVar aggregate classification (germline): Likely pathogenic (1 of 4 stars; one submission).

Conditions:
Osteogenesis imperfecta, perinatal lethal (OI2). Also called: OSTEOGENESIS IMPERFECTA, TYPE II; Osteogenesis imperfecta type 2; OI, TYPE II; OSTEOGENESIS IMPERFECTA CONGENITA; VROLIK TYPE OF OSTEOGENESIS IMPERFECTA; Osteogenesis imperfecta, dominant perinatal lethal. Identifiers: Orphanet 216804, MedGen C0268358, MONDO:0008147, OMIM 166210.

Submission:

MGZ Medical Genetics Center
Classification: Likely pathogenic for Osteogenesis imperfecta, perinatal lethal. Last evaluated: 2021-09-13. Review status: criteria provided, single submitter. Criteria: ACMG Guidelines, 2015. Collection method: clinical testing. Allele origin: germline. Affected: yes. Observed: 1 variant allele.
Comment: ACMG criteria applied: PM1_STR, PM2_SUP, PP3